The following is an entry in ClinVar:

NM_001853.4(COL9A3):c.1873G>A (p.Gly625Ser)

Gene: COL9A3 (collagen type IX alpha 3 chain; plus strand). Cytogenetic location: 20q13.33.
Variant type: single nucleotide variant.
Coding change: c.1873G>A on transcript NM_001853.4 (MANE Select); coding-DNA position 1873, G replaced by A.
Protein change: p.Gly625Ser; replaces glycine 625 with serine.
Molecular consequence: missense variant.
Genome position (GRCh38, 1-based): chr20:62,840,550, G>A. VCF-style: chr20-62840550-G-A. GRCh37 (hg19) VCF-style: chr20-61471902-G-A.
Other names: short protein forms G625S.
Identifiers: ClinVar variation 2013409 (VCV002013409.4), dbSNP rs2063668975, ClinGen allele CA409601177.

ClinVar aggregate classification (germline): Uncertain significance (1 of 4 stars; one submission).

Submission:

Labcorp Genetics (formerly Invitae), Labcorp
Classification: Uncertain significance. Last evaluated: 2024-10-23. Review status: criteria provided, single submitter. Criteria: Invitae Variant Classification Sherloc (09022015). Collection method: clinical testing. Allele origin: germline.
Comment: This sequence change replaces glycine, which is neutral and non-polar, with serine, which is neutral and polar, at codon 625 of the COL9A3 protein (p.Gly625Ser). This variant is not present in population databases (gnomAD no frequency). This variant has not been reported in the literature in individuals affected with COL9A3-related conditions. ClinVar contains an entry for this variant (Variation ID: 2013409). Invitae Evidence Modeling of protein sequence and biophysical properties (such as structural, functional, and spatial information, amino acid conservation, physicochemical variation, residue mobility, and thermodynamic stability) indicates that this missense variant is expected to disrupt COL9A3 protein function with a positive predictive value of 95%. In summary, the available evidence is currently insufficient to determine the role of this variant in disease. Therefore, it has been classified as a Variant of Uncertain Significance.